The following is an entry in ClinVar:

ClinVar aggregate classification (germline): Conflicting classifications of pathogenicity. Review status: criteria provided, conflicting classifications (1 of 4 stars). 5 submissions from 5 submitters: Pathogenic (1); Likely pathogenic (3); Uncertain significance (1). Last evaluated 2025-09-09.

Conditions:
RYR1-related disorder. Also called: RYR1-related disorders; RYR1-related condition. Identifiers: MedGen CN239331.
Central core myopathy (CMYO1A). Also called: Central core disease; Myopathy, central fibrillar; CONGENITAL MYOPATHY 1A, AUTOSOMAL DOMINANT, WITH SUSCEPTIBILITY TO MALIGNANT HYPERTHERMIA. Identifiers: Orphanet 597, MedGen C5830701, MONDO:0007294, OMIM 117000.
Congenital myopathy with fiber type disproportion. Also called: Congenital fiber-type disproportion myopathy; Congenital fiber-type disproportion. Identifiers: Orphanet 2020, MedGen C0546264, MONDO:0009711. Inheritance: all.
King Denborough syndrome (KDS). Identifiers: MedGen C1840365, MONDO:0020485, OMIM 619542.
Malignant hyperthermia, susceptibility to, 1 (MHS1). Also called: RYR1-Related Malignant Hyperthermia Susceptibility; Malignant hyperthermia suceptibility 1; Anesthesia related hyperthermia; Malignant hyperpyrexia; Fulminating hyperpyrexia; Pharmacogenic myopathy. Identifiers: Orphanet 423, MedGen C2930980, MONDO:0007783, OMIM 145600.
Congenital multicore myopathy with external ophthalmoplegia (CMYO1B). Also called: MULTIMINICORE DISEASE WITH EXTERNAL OPHTHALMOPLEGIA; Minicore myopathy with external ophthalmoplegia; Congenital myopathy 1B, autosomal recessive; Minicore myopathy; MULTICORE MYOPATHY. Identifiers: Orphanet 598, Orphanet 98905, MedGen C1850674, MONDO:0009712, OMIM 255320, HP:0003789.

Submissions (5):

Color Diagnostics, LLC DBA Color Health
Classification: Uncertain significance for Malignant hyperthermia, susceptibility to, 1. Last evaluated: 2025-09-09. Review status: criteria provided, single submitter. Criteria: ACMG Guidelines, 2015. Collection method: clinical testing. Allele origin: germline.
Comment: This pathogenicity assessment is for autosomal dominant malignant hyperthermia susceptibility phenotype. This frameshift variant is predicted to result in an absent RYR1 protein product. Loss of RYR1 function due to haploinsufficiency is associated with congenital myopathy, but it is not an established disease mechanism for autosomal dominant malignant hyperthermia susceptibility. Therefore, this variant is classified as a Variant of Uncertain Significance for malignant hyperthermia susceptibility.

Labcorp Genetics (formerly Invitae), Labcorp
Classification: Pathogenic for RYR1-related disorder. Last evaluated: 2025-01-22. Review status: criteria provided, single submitter. Criteria: Invitae Variant Classification Sherloc (09022015). Collection method: clinical testing. Allele origin: germline.
Comment: This sequence change creates a premature translational stop signal (p.Asp1328Glyfs*9) in the RYR1 gene. It is expected to result in an absent or disrupted protein product. Loss-of-function variants in RYR1 are known to be pathogenic (PMID: 23919265, 25960145, 28818389, 30611313). This variant is not present in population databases (gnomAD no frequency). This variant has not been reported in the literature in individuals affected with RYR1-related conditions. ClinVar contains an entry for this variant (Variation ID: 422979). For these reasons, this variant has been classified as Pathogenic.

Fulgent Genetics
Classification: Likely pathogenic for Central core myopathy; Malignant hyperthermia, susceptibility to, 1; Congenital myopathy 4A, autosomal dominant; Congenital multicore myopathy with external ophthalmoplegia; King Denborough syndrome. Last evaluated: 2021-12-05. Review status: criteria provided, single submitter. Criteria: ACMG Guidelines, 2015. Collection method: clinical testing. Allele origin: unknown.

Revvity Omics, Revvity
Classification: Likely pathogenic. Last evaluated: 2019-02-20. Review status: criteria provided, single submitter. Criteria: ACMG Guidelines, 2015. Collection method: clinical testing. Allele origin: germline.

GeneDx
Classification: Likely pathogenic. Last evaluated: 2018-01-11. Review status: criteria provided, single submitter. Criteria: GeneDx Variant Classification (06012015). Collection method: clinical testing. Allele origin: germline. Affected: yes.
Comment: The c.3964_3982dup19 variant causes a frameshift starting with codon Asparagine 1328, changes this amino acid to a Glycine residue and creates a premature Stop codon at position 9 of the new reading frame, denoted p.Asp1328GlyfsX9. This variant is predicted to cause loss of normal protein function either through protein truncation or nonsense-mediated mRNA decay. The c.3964_3982dup19 variant is not observed in large population cohorts (Lek et al., 2016; 1000 Genomes Consortium et al., 2015; Exome Variant Server). Although this variant has not been reported previously to our knowledge, other loss-of-function variants in the RYR1 gene have been reported in the Human Gene Mutation Database in association with RYR1-related disorders (Stenson et al., 2014).

Literature cited by the submitters: PubMed 23919265 (cited by Labcorp Genetics (formerly Invitae), Labcorp); PubMed 25960145 (cited by Labcorp Genetics (formerly Invitae), Labcorp); PubMed 28818389 (cited by Labcorp Genetics (formerly Invitae), Labcorp); PubMed 30611313 (cited by Labcorp Genetics (formerly Invitae), Labcorp).

NM_000540.3(RYR1):c.3964_3982dup (p.Asp1328fs)

Gene: RYR1 (ryanodine receptor 1; plus strand). Cytogenetic location: 19q13.2.
Variant type: Duplication.
Coding change: c.3964_3982dup on transcript NM_000540.3 (MANE Select); coding-DNA positions 3964 to 3982, 19 bases duplicated (GCCCGGGCGGCGGAACCCG).
Protein change: p.Asp1328fs; shifts the reading frame from aspartic acid 1328.
Molecular consequence: frameshift variant.
Genome position (GRCh38, 1-based): chr19:38,473,575-38,473,593, GCCCGGGCGGCGGAACCCG duplicated; duplicating any 19 consecutive bases within chr19:38,473,574-38,473,593 gives the same sequence; the c. name uses the placement nearest the transcript's 3' end. VCF-style (leftmost placement, unchanged base first): chr19-38473573-A-AGGCCCGGGCGGCGGAACCC. GRCh37 (hg19) VCF-style: chr19-38964213-A-AGGCCCGGGCGGCGGAACCC.
Other names: c.3964_3982dupGCCCGGGCGGCGGAACCCG (NM_000540.2); c.3964_3982dup, p.Asp1328fs (NM_001042723.2); short protein forms D1328fs.
Identifiers: ClinVar variation 422979 (VCV000422979.14), dbSNP rs1281542312, ClinGen allele CA16620830.
Genomic context (GRCh38, chr19:38,473,573, plus strand): 5'-GCTGCACTGCAGGGGCCACCCCGCTGGCACCTCCTGGCCTGCAGCCCCCCGCCGAGGACG[A>AGGCCCGGGCGGCGGAACCC]GGCCCGGGCGGCGGAACCCGACCCTGACTACGAAAACCTGCGCCGCTCAGCTGGGGGCTG-3'